The following is an entry in ClinVar:

ClinVar aggregate classification (germline): Likely pathogenic (1 of 4 stars; one submission).

Conditions:
Osteogenesis imperfecta type I (OI1). Also called: Osteogenesis imperfecta type 1; OI, TYPE I; OSTEOGENESIS IMPERFECTA TARDA; OSTEOGENESIS IMPERFECTA WITH BLUE SCLERAE; Lobstein's Disease; Lobstein disease. Identifiers: Orphanet 216796, Orphanet 666, MedGen C0023931, MONDO:0008146, OMIM 166200. Disease mechanism: loss of function.

Submission:

Labcorp Genetics (formerly Invitae), Labcorp
Classification: Likely pathogenic for Osteogenesis imperfecta type I. Last evaluated: 2024-06-10. Review status: criteria provided, single submitter. Criteria: Invitae Variant Classification Sherloc (09022015). Collection method: clinical testing. Allele origin: germline.
Comment: This sequence change affects codon 800 of the COL1A1 mRNA. It is a 'silent' change, meaning that it does not change the encoded amino acid sequence of the COL1A1 protein. This variant is not present in population databases (gnomAD no frequency). This variant has been observed in individual(s) with osteogenesis imperfecta (Invitae). ClinVar contains an entry for this variant (Variation ID: 526869). Algorithms developed to predict the effect of sequence changes on RNA splicing suggest that this variant is not likely to affect RNA splicing. In summary, the currently available evidence indicates that the variant is pathogenic, but additional data are needed to prove that conclusively. Therefore, this variant has been classified as Likely Pathogenic.

NM_000088.4(COL1A1):c.2400A>G (p.Gly800=)

Gene: COL1A1 (collagen type I alpha 1 chain; minus strand). Cytogenetic location: 17q21.33.
Variant type: single nucleotide variant.
Coding change: c.2400A>G on transcript NM_000088.4 (MANE Select); coding-DNA position 2400, A replaced by G.
Protein change: p.Gly800=; no amino-acid change (glycine 800 retained).
Molecular consequence: synonymous variant.
Genome position (GRCh38, 1-based): chr17:50,190,378, T>C on the plus strand (A>G on the coding strand, the complement: COL1A1 is on the minus strand). VCF-style: chr17-50190378-T-C. GRCh37 (hg19) VCF-style: chr17-48267739-T-C.
Identifiers: ClinVar variation 526869 (VCV000526869.9), dbSNP rs1555572759, ClinGen allele CA500845770.
Genomic context (GRCh38, chr17:50,190,378, plus strand): 5'-GGTACTCACAGGGGGGCCAGCAAAGCCAGCAGGGCCGGGGGGACCAGGCTCACCACGGTC[T>C]CCCTAGAAGAAAAGGAGTCAGATTGGAGAGATGCGCTGACAGGAGGGAAGGCGGGGATGC-3'
Protein context (NP_000079.2, residues 790-810): AGPTGARGAP[Gly800=]DRGEPGPPGP